The following is an entry in ClinVar:

NM_004984.4(KIF5A):c.1228G>A (p.Ala410Thr)

Gene: KIF5A (kinesin family member 5A; plus strand). Cytogenetic location: 12q13.3.
Variant type: single nucleotide variant.
Coding change: c.1228G>A on transcript NM_004984.4 (MANE Select); coding-DNA position 1228, G replaced by A.
Protein change: p.Ala410Thr; replaces alanine 410 with threonine.
Molecular consequence: missense variant.
Genome position (GRCh38, 1-based): chr12:57,570,097, G>A. VCF-style: chr12-57570097-G-A. GRCh37 (hg19) VCF-style: chr12-57963880-G-A.
Other names: c.961G>A, p.Ala321Thr (NM_001354705.2); short protein forms A321T, A410T.
Identifiers: ClinVar variation 1897743 (VCV001897743.18), dbSNP rs148888970, ClinGen allele CA6652792.
Genomic context (GRCh38, chr12:57,570,097, plus strand): 5'-GGAGCCGAGCTCTGTGAGGAGACCCCTGTGAATGACAACTCATCCATCGTGGTGCGCATC[G>A]CGCCCGAGGAGCGGCAGAAATACGAGGAGGAGATCCGCCGTCTCTATAAGCAGCTTGACG-3'
Protein context (NP_004975.2, residues 400-420): NDNSSIVVRI[Ala410Thr]PEERQKYEEE

ClinVar aggregate classification (germline): Uncertain significance. Review status: criteria provided, multiple submitters, no conflicts (2 of 4 stars). 2 submissions from 2 submitters: Uncertain significance (2). Last evaluated 2025-02-01.

Conditions:
Spastic paraplegia. Identifiers: MedGen C0037772, HP:0001258.

Allele frequency attached by ClinVar (database versions not stated): ExAC 0.00001; gnomAD 0.00001; gnomAD exomes 0.00001; TOPMed 0.00002; ESP Exome Variant Server 0.00008.
gnomAD v4.1: 22 of 1,614,054 alleles (0.0014%); highest among the groups gnomAD compares: Non-Finnish European, 0.0018%; no homozygotes.

Submissions (2):

CeGaT Center for Human Genetics Tuebingen
Classification: Uncertain significance. Last evaluated: 2025-02-01. Review status: criteria provided, single submitter. Criteria: CeGaT Center For Human Genetics Tuebingen Variant Classification Criteria Version 2. Collection method: clinical testing. Allele origin: germline. Affected: yes. Observed: 2 variant alleles.

Labcorp Genetics (formerly Invitae), Labcorp
Classification: Uncertain significance for Spastic paraplegia. Last evaluated: 2024-08-02. Review status: criteria provided, single submitter. Criteria: Invitae Variant Classification Sherloc (09022015). Collection method: clinical testing. Allele origin: germline.
Comment: This sequence change replaces alanine, which is neutral and non-polar, with threonine, which is neutral and polar, at codon 410 of the KIF5A protein (p.Ala410Thr). This variant is present in population databases (rs148888970, gnomAD 0.003%). This variant has not been reported in the literature in individuals affected with KIF5A-related conditions. ClinVar contains an entry for this variant (Variation ID: 1897743). Advanced modeling of protein sequence and biophysical properties (such as structural, functional, and spatial information, amino acid conservation, physicochemical variation, residue mobility, and thermodynamic stability) performed at Invitae indicates that this missense variant is not expected to disrupt KIF5A protein function with a negative predictive value of 95%. In summary, the available evidence is currently insufficient to determine the role of this variant in disease. Therefore, it has been classified as a Variant of Uncertain Significance.